The following is an entry in ClinVar:

ClinVar aggregate classification (germline): Likely pathogenic (1 of 4 stars; one submission).

Conditions:
Primary ciliary dyskinesia. Also called: Ciliary dyskinesia. Identifiers: Orphanet 244, MedGen C0008780, MONDO:0016575, HP:0012265.

Submission:

Labcorp Genetics (formerly Invitae), Labcorp
Classification: Likely pathogenic for Primary ciliary dyskinesia. Last evaluated: 2024-03-07. Review status: criteria provided, single submitter. Criteria: Invitae Variant Classification Sherloc (09022015). Collection method: clinical testing. Allele origin: germline.
Comment: This sequence change affects an acceptor splice site in intron 2 of the DNAI2 gene. It is expected to disrupt RNA splicing. Variants that disrupt the donor or acceptor splice site typically lead to a loss of protein function (PMID: 16199547), and loss-of-function variants in DNAI2 are known to be pathogenic (PMID: 18950741, 23891469). This variant is not present in population databases (gnomAD no frequency). Disruption of this splice site has been observed in individual(s) with primary ciliary dyskinesia (PMID: 33447612). Algorithms developed to predict the effect of sequence changes on RNA splicing suggest that this variant may disrupt the consensus splice site. In summary, the currently available evidence indicates that the variant is pathogenic, but additional data are needed to prove that conclusively. Therefore, this variant has been classified as Likely Pathogenic.

Literature cited by the submitters: PubMed 16199547; PubMed 18950741; PubMed 23891469; PubMed 33447612.

NM_023036.6(DNAI2):c.184-2A>T

Gene: DNAI2 (dynein axonemal intermediate chain 2; plus strand). Cytogenetic location: 17q25.1.
Variant type: single nucleotide variant.
Coding change: c.184-2A>T on transcript NM_023036.6 (MANE Select); the canonical splice acceptor site of the intron before coding-DNA position 184, A replaced by T.
Molecular consequence: splice acceptor variant.
Genome position (GRCh38, 1-based): chr17:74,285,038, A>T. VCF-style: chr17-74285038-A-T. GRCh37 (hg19) VCF-style: chr17-72281177-A-T.
Other names: c.184-2A>T (NM_001353167.2, NM_001172810.3).
Identifiers: ClinVar variation 3726168 (VCV003726168.2).